The following is an entry in ClinVar:

ClinVar aggregate classification (germline): Uncertain significance. Review status: criteria provided, single submitter (1 of 4 stars). 2 submissions from 1 submitter: Uncertain significance (1). 1 of the submissions does not count toward it. Last evaluated 2023-02-24.

Conditions:
Tuberous sclerosis 2 (TSC2). Identifiers: Orphanet 805, MedGen C1860707, MONDO:0013199, OMIM 613254.

Submissions (2):

Labcorp Genetics (formerly Invitae), Labcorp
Classification: Uncertain significance for Tuberous sclerosis 2. Last evaluated: 2023-02-24. Review status: criteria provided, single submitter. Criteria: Invitae Variant Classification Sherloc (09022015). Collection method: clinical testing. Allele origin: germline.
Comment: This variant results in a copy number gain of the genomic region encompassing exon(s) 1-16 of the TSC2 gene. This region includes the initiator codon of the gene. This copy number gain extends beyond the assayed region for this gene and therefore may encompass additional genes. As the precise location of this event is unknown, it may be in tandem or it may be located elsewhere in the genome. This variant has not been reported in the literature in individuals affected with TSC2-related conditions. In summary, the available evidence is currently insufficient to determine the role of this variant in disease. Therefore, it has been classified as a Variant of Uncertain Significance.

Labcorp Genetics (formerly Invitae), Labcorp
Classification: Uncertain significance. Last evaluated: 2019-08-05. Review status: flagged submission. Criteria: Invitae Variant Classification Sherloc (09022015). Collection method: clinical testing. Allele origin: germline. Not counted in ClinVar's aggregate classification.
Comment: This variant results in a copy number gain of the genomic region encompassing the full coding sequence of the NTHL1 gene. The boundaries of this event are unknown as they extend beyond the assayed region for this gene and therefore may encompass additional genes. As the precise location of this event is unknown, it may be in tandem or it may be located elsewhere in the genome. This variant has not been reported in the literature in individuals with NTHL1-related conditions. In summary, the available evidence is currently insufficient to determine the role of this variant in disease. Therefore, it has been classified as a Variant of Uncertain Significance.
ClinVar note: Reason: This record appears to be redundant with a more recent record from the same submitter.
ClinVar note: Notes: SCV001194551 appears to be redundant with SCV001539188.

NC_000016.10:g.(?_2039924)_(2065645_?)dup

Genes: NTHL1 (nth like DNA glycosylase 1; minus strand), TSC2 (TSC complex subunit 2; plus strand). Cytogenetic location: 16p13.3.
Variant type: Duplication.
Identifiers: ClinVar variation 830627 (VCV000830627.6).